The following is an entry in ClinVar:

ClinVar aggregate classification (germline): Uncertain significance (1 of 4 stars; one submission).

gnomAD v4.1: 72 of 1,608,210 alleles (0.0045%); highest among the groups gnomAD compares: Middle Eastern, 0.016%; no homozygotes.

Submission:

GeneDx
Classification: Uncertain significance. Last evaluated: 2025-07-29. Review status: criteria provided, single submitter. Criteria: GeneDx Variant Classification Process June 2021. Collection method: clinical testing. Allele origin: germline. Affected: yes.
Comment: In silico analysis suggests that this missense variant does not alter protein structure/function; Has not been previously published as pathogenic or benign to our knowledge

NM_001606.5(ABCA2):c.6508G>A (p.Ala2170Thr)

Gene: ABCA2 (ATP binding cassette subfamily A member 2; minus strand). Cytogenetic location: 9q34.3.
Variant type: single nucleotide variant.
Coding change: c.6508G>A on transcript NM_001606.5 (MANE Select); coding-DNA position 6508, G replaced by A.
Protein change: p.Ala2170Thr; replaces alanine 2170 with threonine.
Molecular consequence: missense variant.
Genome position (GRCh38, 1-based): chr9:137,009,891, C>T on the plus strand (G>A on the coding strand, the complement: ABCA2 is on the minus strand). VCF-style: chr9-137009891-C-T. GRCh37 (hg19) VCF-style: chr9-139904343-C-T.
Other names: c.6505G>A, p.Ala2169Thr (NM_001411042.1); c.6598G>A, p.Ala2200Thr (NM_212533.3); short protein forms A2169T, A2170T, A2200T.
Identifiers: ClinVar variation 4689940 (VCV004689940.1).